The following is an entry in ClinVar:

ClinVar aggregate classification (germline): Pathogenic. Review status: reviewed by expert panel (3 of 4 stars). 20 submissions from 20 submitters: Pathogenic (1). 19 of the submissions do not count toward it. Last evaluated 2026-07-20.

Conditions:
CEP290-related ciliopathy. Also called: CEP290 ciliopathy. Identifiers: MedGen CN305601, MONDO:0100451.
CEP290-related disorder. Also called: CEP290-related disorders; CEP290-related condition. Identifiers: MedGen CN239314.
Meckel-Gruber syndrome. Also called: GRUBER SYNDROME; DYSENCEPHALIA SPLANCHNOCYSTICA; Dysencephalia splachnocystica. Identifiers: Orphanet 564, MedGen C0265215, MONDO:0018921.
Nephronophthisis. Also called: Juvenile Nephronophthisis. Identifiers: Orphanet 655, MedGen C0687120, MONDO:0019005, HP:0000090.
Joubert syndrome. Also called: JOUBERT-BOLTSHAUSER SYNDROME; Familial aplasia of the vermis. Identifiers: Orphanet 475, MedGen C5979921, MONDO:0018772.
Bardet-Biedl syndrome 14 (BBS14). Identifiers: Orphanet 110, MedGen C2673874, MONDO:0014442, OMIM 615991.
Leber congenital amaurosis 10 (LCA10). Identifiers: Orphanet 65, MedGen C1857821, MONDO:0012723, OMIM 611755.
Senior-Loken syndrome 6 (SLSN6). Identifiers: Orphanet 3156, MedGen C1857779, MONDO:0012433, OMIM 610189.
Meckel syndrome, type 4 (MKS4). Also called: MECKEL-GRUBER SYNDROME, TYPE 4. Identifiers: Orphanet 564, MedGen C1970161, MONDO:0012626, OMIM 611134.
Joubert syndrome 5 (JBTS5). Identifiers: Orphanet 2318, MedGen C1857780, MONDO:0012432, OMIM 610188.
Retinal dystrophy. Also called: Inherited retinal dystrophy. Identifiers: Orphanet 71862, MedGen C0854723, MeSH D058499, MONDO:0019118, HP:0000556.
Leber congenital amaurosis (LCA). Also called: Leber's amaurosis. Identifiers: Orphanet 65, MedGen C0339527, MeSH D057130, MONDO:0018998.

Submissions 1 to 12 of 20:

ClinGen Leber Congenital Amaurosis/early Onset Retinal Dystrophy Variant Curation Expert Panel, ClinGen
Classification: Pathogenic for CEP290-related ciliopathy. Last evaluated: 2026-07-20. Review status: reviewed by expert panel. Criteria: ClinGen LCAeoRD ACMG Specifications CEP290 V1.0.0. Collection method: curation. Allele origin: germline. Inheritance: Autosomal recessive inheritance.
Comment: NM_025114.4(CEP290):c.3175dup (p.Ile1059AsnfsTer11) is a frameshift variant that introduces a premature stop codon in exon 28 of 54 and is predicted to lead to nonsense-mediated decay in a gene in which loss-of-function is an established mechanism of disease (PVS1). This variant is present in gnomAD v.4.1.1 at a total allele frequency of 0.00007387, with 119 alleles / 1,610,848 total alleles, which is lower than the ClinGen LCA/eoRD VCEP PM2_Supporting threshold of <0.0006 (PM2_Supporting). This variant has been reported in at least 1 proband with early-onset severe retinal dystrophy who was compound heterozygous with the NM_025114.4(CEP290):c.2991+1655A>G variant suspected in trans (PMID: 22355252), which was previously classified pathogenic by the ClinGen LCA/eoRD VCEP (0.5 total points, PM3_Supporting). In summary, this variant meets the criteria to be classified as Pathogenic for CEP290-related ciliopathy based on the ACMG/AMP criteria applied, as specified by the ClinGen LCA/eoRD VCEP: PVS1, PM2_Supporting, and PM3_Supporting. (LCA/eoRD VCEP Specifications for CEP290 Version 1.0.0)

PreventionGenetics, part of Exact Sciences
Classification: Pathogenic for CEP290-related condition. Last evaluated: 2026-04-02. Review status: criteria provided, single submitter. Criteria: ACMG Guidelines, 2015. Collection method: clinical testing. Allele origin: germline. Not counted in ClinVar's aggregate classification.
Comment: The CEP290 c.3175dupA variant is predicted to result in a frameshift and premature protein termination (p.Ile1059Asnfs*11). This variant has previously been reported to be causative for Joubert syndrome (Sayer et al. 2006. PubMed ID: 16682973; Table S5, Chaki et al. 2011. PubMed ID: 21866095) and Leber congenital amaurosis (LCA) (Yzer et al. 2012. PubMed ID: 22355252). This variant is reported in 0.0096% of alleles in individuals of European (non-Finnish) descent in gnomAD. Frameshift variants in CEP290 are expected to be pathogenic. This variant is interpreted as pathogenic.

GeneDx
Classification: Pathogenic. Last evaluated: 2025-09-23. Review status: criteria provided, single submitter. Criteria: GeneDx Variant Classification Process June 2021. Collection method: clinical testing. Allele origin: germline. Affected: yes. Not counted in ClinVar's aggregate classification.
Comment: Frameshift variant predicted to result in protein truncation or nonsense mediated decay in a gene for which loss of function is a known mechanism of disease; This variant is associated with the following publications: (PMID: 23559409, 24946806, 19466712, 21866095, 17564974, 29398085, 22355252, 21245082, 25920555, 16682973, 17345604)

Labcorp Genetics (formerly Invitae), Labcorp
Classification: Pathogenic for Joubert syndrome; Meckel-Gruber syndrome; Nephronophthisis. Last evaluated: 2025-08-26. Review status: criteria provided, single submitter. Criteria: Invitae Variant Classification Sherloc (09022015). Collection method: clinical testing. Allele origin: germline. Not counted in ClinVar's aggregate classification.
Comment: This sequence change creates a premature translational stop signal (p.Ile1059Asnfs*11) in the CEP290 gene. It is expected to result in an absent or disrupted protein product. Loss-of-function variants in CEP290 are known to be pathogenic (PMID: 16909394, 17345604, 20690115). The frequency data for this variant in the population databases is considered unreliable, as metrics indicate poor data quality at this position in the gnomAD database. This premature translational stop signal has been observed in individual(s) with Joubert syndrome and/or Leber congenital amaurosis (PMID: 16682973, 17345604, 21245082, 22355252, 25920555). In at least one individual the data is consistent with being in trans (on the opposite chromosome) from a pathogenic variant. This variant is also known as c.3175-3176insA and c.3175insA. ClinVar contains an entry for this variant (Variation ID: 99850). Algorithms developed to predict the effect of sequence changes on RNA splicing suggest that this variant may disrupt the consensus splice site. For these reasons, this variant has been classified as Pathogenic.

Natera, Inc.
Classification: Pathogenic for Leber congenital amaurosis. Last evaluated: 2025-04-10. Review status: criteria provided, single submitter. Criteria: Natera Variant Classification Schema (03/2026). Collection method: clinical testing. Allele origin: germline. Not counted in ClinVar's aggregate classification.
Comment: The c.3175dupA variant in CEP290 is a frameshift variant predicted to shift the reading frame beginning at codon 1059 and leads to a stop codon 11 codons downstream. This variant is expected to result in nonsense mediated decay, truncation, or a dysfunctional protein product. This variant is rare in the general population with a frequency below the threshold expected for the associated phenotype(s). This variant has been observed in one or more individuals affected with the associated recessive disease, as either homozygous or compound heterozygous with a second variant (PMID: 23559409, 22355252). Given the available evidence, this variant is classified as Pathogenic.

Blueprint Genetics
Classification: Pathogenic for CEP290-related disorders. Last evaluated: 2024-08-06. Review status: criteria provided, single submitter. Criteria: ACMG Guidelines, 2015. Collection method: clinical testing. Allele origin: germline. Affected: yes. Observed: 5 variant alleles. Not counted in ClinVar's aggregate classification.

Baylor Genetics
Classification: Pathogenic for Bardet-Biedl syndrome 14. Last evaluated: 2024-03-27. Review status: criteria provided, single submitter. Criteria: ACMG Guidelines, 2015. Collection method: clinical testing. Allele origin: unknown. Not counted in ClinVar's aggregate classification.

Institute of Human Genetics Munich, TUM University Hospital
Classification: Pathogenic for Joubert syndrome 5. Last evaluated: 2020-01-16. Review status: criteria provided, single submitter. Criteria: Classification criteria August 2017. Collection method: clinical testing. Allele origin: germline. Inheritance: Autosomal recessive inheritance. Affected: yes. Observed: 1 compound heterozygote. Not counted in ClinVar's aggregate classification.

CeGaT Center for Human Genetics Tuebingen
Classification: Pathogenic. Last evaluated: 2017-09-01. Review status: criteria provided, single submitter. Criteria: CeGaT Center For Human Genetics Tuebingen Variant Classification Criteria Version 2. Collection method: clinical testing. Allele origin: germline. Affected: yes. Observed: 1 variant allele. Not counted in ClinVar's aggregate classification.

UW Hindbrain Malformation Research Program, University of Washington
Classification: Pathogenic for Joubert syndrome 5. Last evaluated: 2015-02-23. Review status: criteria provided, single submitter. Criteria: Bachmann-Gagescu et al. (J Med Genet. 2015). Collection method: research. Allele origin: unknown. Affected: yes. Not counted in ClinVar's aggregate classification.

Genetic Services Laboratory, University of Chicago
Classification: Pathogenic for Meckel Gruber syndrome. Last evaluated: 2013-08-02. Review status: criteria provided, single submitter. Criteria: ACMG Guidelines, 2007. Collection method: clinical testing. Allele origin: germline. Inheritance: Autosomal recessive inheritance. Affected: yes. Observed: 2 variant alleles. Not counted in ClinVar's aggregate classification.

Rady Children's Institute for Genomic Medicine, Rady Children's Hospital San Diego
Classification: Pathogenic for CEP290-related disorders. Review status: criteria provided, single submitter. Criteria: ACMG Guidelines, 2015. Collection method: clinical testing. Allele origin: germline. Not counted in ClinVar's aggregate classification.
Comment: This frameshifting variant in exon 28 of 54 is predicted to result in loss of normal protein function through either protein truncation or nonsense-mediated mRNA decay. Loss-of-function variation in CEP290 is an established mechanism of disease (PMID: 32600475, 20301500, 16909394, 20690115). This variant has been previously reported as a compound heterozygous change in patients with Leber congenital amaurosis and Meckel syndrome (PMID: 22355252, 16682973,29398085, 35352487, 29178642). The c.3175dup (p.Ile1059AsnFsTer11) variant is present in the heterozygous state in the gnomAD population database at a frequency of 0.006% (16/271936), and is absent in the homozygous state, thus is presumed to be rare. Based on the available evidence, c.3175dup (p.Ile1059AsnFsTer11) is classified as Pathogenic.

NM_025114.4(CEP290):c.3175dup (p.Ile1059fs)

Gene: CEP290 (centrosomal protein 290; minus strand). Cytogenetic location: 12q21.32.
Variant type: Duplication.
Coding change: c.3175dup on transcript NM_025114.4 (MANE Select); coding-DNA position 3175, one base duplicated (A; older notation c.3175dupA).
Protein change: p.Ile1059fs; shifts the reading frame from isoleucine 1059.
Molecular consequence: frameshift variant.
Genome position (GRCh38, 1-based): chr12:88,093,904, T duplicated on the plus strand (A on the coding strand, the reverse complement: CEP290 is on the minus strand); the first of 8 consecutive T bases (chr12:88,093,904-88,093,911); duplicating any one gives the same sequence. VCF-style (leftmost placement, unchanged base first): chr12-88093903-A-AT. GRCh37 (hg19) VCF-style: chr12-88487680-A-AT.
Other names: NM_025114.4(CEP290):c.3175dup; p.Ile1059fs; c.3175dupA (NM_025114.4, NM_025114.3); short protein forms I1059fs.
Identifiers: ClinVar variation 99850 (VCV000099850.76), dbSNP rs62640570, ClinGen allele CA150904.